The following is an entry in ClinVar:

NM_003620.4(PPM1D):c.340C>G (p.Gln114Glu)

Gene: PPM1D (protein phosphatase, Mg2+/Mn2+ dependent 1D; plus strand). Cytogenetic location: 17q23.2.
Variant type: single nucleotide variant.
Coding change: c.340C>G on transcript NM_003620.4 (MANE Select); coding-DNA position 340, C replaced by G.
Protein change: p.Gln114Glu; replaces glutamine 114 with glutamic acid.
Molecular consequence: missense variant.
Genome position (GRCh38, 1-based): chr17:60,600,754, C>G. VCF-style: chr17-60600754-C-G. GRCh37 (hg19) VCF-style: chr17-58678115-C-G.
Other names: short protein forms Q114E.
Identifiers: ClinVar variation 4992820 (VCV004992820.1).

ClinVar aggregate classification (germline): Uncertain significance (1 of 4 stars; one submission).

Conditions:
PPM1D-related disorder. Also called: PPM1D-related condition.

Submission:

PreventionGenetics, part of Exact Sciences
Classification: Uncertain significance for PPM1D-related condition. Last evaluated: 2025-09-16. Review status: criteria provided, single submitter. Criteria: ACMG Guidelines, 2015. Collection method: clinical testing. Allele origin: germline.
Comment: The PPM1D c.340C>G variant is predicted to result in the amino acid substitution p.Gln114Glu. To our knowledge, this variant has not been reported in the literature or in a large population database (gnomAD), indicating this variant is rare. At this time, the clinical significance of this variant is uncertain due to the absence of conclusive functional and genetic evidence.